The following is an entry in ClinVar:

NM_002334.4(LRP4):c.2113AAC[1] (p.Asn706del)

Gene: LRP4 (LDL receptor related protein 4; minus strand). Cytogenetic location: 11p11.2.
Variant type: Microsatellite.
Coding change: c.2113AAC[1] on transcript NM_002334.4 (MANE Select); one copy of the 3-base unit AAC starting at c.2113; the reference has two copies in a row; one copy, 3 bases deleted.
Protein change: p.Asn706del; deletes asparagine 706.
Molecular consequence: inframe deletion.
Genome position (GRCh38, 1-based): chr11:46,889,508-46,889,510, GTT deleted on the plus strand (AAC on the coding strand, the reverse complement: LRP4 is on the minus strand); deleting any 3 consecutive bases within chr11:46,889,508-46,889,515 gives the same sequence; the position shown is the placement nearest the transcript's 3' end. VCF-style (leftmost placement, unchanged base first): chr11-46889507-CGTT-C. GRCh37 (hg19) VCF-style: chr11-46911058-CGTT-C.
Other names: short protein forms N706del.
Identifiers: ClinVar variation 1345722 (VCV001345722.6), dbSNP rs1565792675, ClinGen allele CA599052982.

ClinVar aggregate classification (germline): Uncertain significance (1 of 4 stars; one submission).

Conditions:
Sclerosteosis 2 (SOST2). Identifiers: Orphanet 3152, MedGen C3280402, MONDO:0013679, OMIM 614305.
Cenani-Lenz syndactyly syndrome. Also called: CENANI SYNDACTYLISM; SYNDACTYLY, TYPE VII. Identifiers: Orphanet 3258, MedGen C1859309, MONDO:0008931, OMIM 212780.
Congenital myasthenic syndrome 17. Identifiers: Orphanet 590, MedGen C4225377, MONDO:0014578, OMIM 616304.

Submission:

Labcorp Genetics (formerly Invitae), Labcorp
Classification: Uncertain significance for Cenani-Lenz syndactyly syndrome; Sclerosteosis 2; Congenital myasthenic syndrome 17. Last evaluated: 2021-08-31. Review status: criteria provided, single submitter. Criteria: Invitae Variant Classification Sherloc (09022015). Collection method: clinical testing. Allele origin: germline.
Comment: This variant, c.2116_2118del, results in the deletion of 1 amino acid(s) of the LRP4 protein (p.Asn706del), but otherwise preserves the integrity of the reading frame. This variant is not present in population databases (ExAC no frequency). This variant has not been reported in the literature in individuals affected with LRP4-related conditions. Experimental studies and prediction algorithms are not available or were not evaluated, and the functional significance of this variant is currently unknown. In summary, the available evidence is currently insufficient to determine the role of this variant in disease. Therefore, it has been classified as a Variant of Uncertain Significance.